The following is an entry in ClinVar:

NM_006096.4(NDRG1):c.287C>A (p.Ala96Asp)

Gene: NDRG1 (N-myc downstream regulated 1; minus strand). Cytogenetic location: 8q24.22.
Variant type: single nucleotide variant.
Coding change: c.287C>A on transcript NM_006096.4 (MANE Select); coding-DNA position 287, C replaced by A.
Protein change: p.Ala96Asp; replaces alanine 96 with aspartic acid.
Molecular consequence: missense variant.
Genome position (GRCh38, 1-based): chr8:133,262,086, G>T on the plus strand (C>A on the coding strand, the complement: NDRG1 is on the minus strand). VCF-style: chr8-133262086-G-T. GRCh37 (hg19) VCF-style: chr8-134274329-G-T.
Other names: c.287C>A, p.Ala96Asp (NM_001135242.2, NM_001374844.1, NM_001374845.1 and 1 more transcripts); c.89C>A, p.Ala30Asp (NM_001258432.2, NM_001374847.1); c.44C>A, p.Ala15Asp (NM_001258433.2); short protein forms A15D, A30D, A96D.
Identifiers: ClinVar variation 2499405 (VCV002499405.2), dbSNP rs2538069325, ClinGen allele CA372256213.

ClinVar aggregate classification (germline): Uncertain significance (1 of 4 stars; one submission).

Submission:

GeneDx
Classification: Uncertain significance. Last evaluated: 2026-05-29. Review status: criteria provided, single submitter. Criteria: GeneDx Variant Classification Process June 2021. Collection method: clinical testing. Allele origin: germline.
Comment: Not observed at significant frequency in large population cohorts (gnomAD); In silico analysis supports that this missense variant has a deleterious effect on protein structure/function; Has not been previously published as pathogenic or benign to our knowledge